The following is an entry in ClinVar:

NM_017563.5(IL17RD):c.62C>T (p.Ser21Leu)

Genes: IL17RD (interleukin 17 receptor D; minus strand), LOC129936924 (ATAC-STARR-seq lymphoblastoid silent region 14478; plus strand). Cytogenetic location: 3p14.3.
Variant type: single nucleotide variant.
Coding change: c.62C>T on transcript NM_017563.5 (MANE Select); coding-DNA position 62, C replaced by T.
Protein change: p.Ser21Leu; replaces serine 21 with leucine.
Molecular consequence: missense variant. On other transcripts: intron variant (1).
Genome position (GRCh38, 1-based): chr3:57,165,225, G>A on the plus strand (C>T on the coding strand, the complement: IL17RD is on the minus strand). VCF-style: chr3-57165225-G-A. GRCh37 (hg19) VCF-style: chr3-57199253-G-A.
Other names: c.62C>T, p.Ser21Leu (NM_001080973.1); c.-307+4007C>T (NM_001318864.2); short protein forms S21L.
Identifiers: ClinVar variation 3109180 (VCV003109180.3), dbSNP rs1047126275, ClinGen allele CA353399138.
Genomic context (GRCh38, chr3:57,165,225, plus strand): 5'-CAGCCACAGGTGTCGGCGCCCCGCGCGCGGCCGGACCCGCCAGCGGCCACAGCCAGCTGC[G>A]AGCCGTTGAGGCAGGCGTTGACCGTAAAGAAGACGGAGCAGAGCTGCAGCCACGGGGCCA-3'
Protein context (NP_060033.3, residues 11-31): FFTVNACLNG[Ser21Leu]QLAVAAGGSG

ClinVar aggregate classification (germline): Uncertain significance. Review status: criteria provided, multiple submitters, no conflicts (2 of 4 stars). 2 submissions from 2 submitters: Uncertain significance (2). Last evaluated 2024-11-13.

Allele frequency attached by ClinVar (database versions not stated): gnomAD exomes 0.00001.
gnomAD v4.1: 21 of 1,531,602 alleles (0.0014%); highest among the groups gnomAD compares: East Asian, 0.044%; no homozygotes.

Submissions (2):

Labcorp Genetics (formerly Invitae), Labcorp
Classification: Uncertain significance. Last evaluated: 2024-11-13. Review status: criteria provided, single submitter. Criteria: Invitae Variant Classification Sherloc (09022015). Collection method: clinical testing. Allele origin: germline.
Comment: This sequence change replaces serine, which is neutral and polar, with leucine, which is neutral and non-polar, at codon 21 of the IL17RD protein (p.Ser21Leu). This variant is present in population databases (no rsID available, gnomAD 0.2%), and has an allele count higher than expected for a pathogenic variant. This variant has not been reported in the literature in individuals affected with IL17RD-related conditions. ClinVar contains an entry for this variant (Variation ID: 3109180). An algorithm developed to predict the effect of missense changes on protein structure and function (PolyPhen-2) suggests that this variant is likely to be tolerated. In summary, the available evidence is currently insufficient to determine the role of this variant in disease. Therefore, it has been classified as a Variant of Uncertain Significance.

Ambry Genetics
Classification: Uncertain significance. Last evaluated: 2023-11-17. Review status: criteria provided, single submitter. Criteria: Ambry Variant Classification Scheme 2023. Collection method: clinical testing. Allele origin: germline.